The following is an entry in ClinVar:

NM_004415.4(DSP):c.2952G>A (p.Met984Ile)

Gene: DSP (desmoplakin; plus strand). Cytogenetic location: 6p24.3.
Variant type: single nucleotide variant.
Coding change: c.2952G>A on transcript NM_004415.4 (MANE Select); coding-DNA position 2952, G replaced by A.
Protein change: p.Met984Ile; replaces methionine 984 with isoleucine.
Molecular consequence: missense variant.
Genome position (GRCh38, 1-based): chr6:7,577,853, G>A. VCF-style: chr6-7577853-G-A. GRCh37 (hg19) VCF-style: chr6-7578086-G-A.
Other names: c.2952G>A, p.Met984Ile (NM_001008844.3, NM_001319034.2); short protein forms M984I.
Identifiers: ClinVar variation 3386652 (VCV003386652.2).

ClinVar aggregate classification (germline): Uncertain significance. Review status: criteria provided, multiple submitters, no conflicts (2 of 4 stars). 2 submissions from 2 submitters: Uncertain significance (2). Last evaluated 2025-02-13.

Conditions:
Arrhythmogenic cardiomyopathy with wooly hair and keratoderma. Also called: Carvajal syndrome; PALMOPLANTAR KERATODERMA WITH LEFT VENTRICULAR CARDIOMYOPATHY AND WOOLLY HAIR; Dilated cardiomyopathy with woolly hair and keratoderma; Arrhythmogenic cardiomyopathy with woolly hair and keratoderma. Identifiers: Orphanet 65282, MedGen C1854063, MONDO:0011581, OMIM 605676.
Cardiovascular phenotype. Identifiers: MedGen CN230736.

gnomAD v4.1: 5 of 1,614,166 alleles (0.00031%); highest among the groups gnomAD compares: South Asian, 0.0022%; no homozygotes.

Submissions (2):

Ambry Genetics
Classification: Uncertain significance for Cardiovascular phenotype. Last evaluated: 2025-02-13. Review status: criteria provided, single submitter. Criteria: Ambry Variant Classification Scheme 2023. Collection method: clinical testing. Allele origin: germline.
Comment: The p.M984I variant (also known as c.2952G>A), located in coding exon 21 of the DSP gene, results from a G to A substitution at nucleotide position 2952. The methionine at codon 984 is replaced by isoleucine, an amino acid with highly similar properties. This amino acid position is conserved. In addition, the in silico prediction for this alteration is inconclusive. Based on the available evidence, the clinical significance of this variant remains unclear.

All of Us Research Program, National Institutes of Health
Classification: Uncertain significance for Arrhythmogenic cardiomyopathy with wooly hair and keratoderma. Last evaluated: 2024-02-22. Review status: criteria provided, single submitter. Criteria: ACMG Guidelines, 2015. Collection method: clinical testing. Allele origin: germline. Inheritance: Autosomal dominant inheritance. Observed: 1 variant allele, 1 heterozygote.
Comment: This missense variant replaces methionine with isoleucine at codon 984 of the DSP protein. Computational prediction suggests that this variant may not impact protein structure and function (internally defined REVEL score threshold <= 0.5, PMID: 27666373). To our knowledge, functional studies have not been reported for this variant. This variant has not been reported in individuals affected with DSP-related disorders in the literature. This variant has been identified in 1/251434 chromosomes in the general population by the Genome Aggregation Database (gnomAD). The available evidence is insufficient to determine the role of this variant in disease conclusively. Therefore, this variant is classified as a Variant of Uncertain Significance.

This study involves interpretation of variants in research participants for the purpose of population health screening. Participant phenotype was not available at the time of variant classification. Additional details can be found in publication PMID: 35346344, PMCID: PMC8962531